The following is an entry in ClinVar:

ClinVar aggregate classification (germline): Uncertain significance (1 of 4 stars; one submission).

Conditions:
Inborn genetic diseases. Identifiers: MedGen C0950123, MeSH D030342.

Submission:

Ambry Genetics
Classification: Uncertain significance for Inborn genetic diseases. Last evaluated: 2024-07-11. Review status: criteria provided, single submitter. Criteria: Ambry Variant Classification Scheme 2023. Collection method: clinical testing. Allele origin: germline.
Comment: The p.T1373I variant (also known as c.4118C>T), located in coding exon 22 of the ATR gene, results from a C to T substitution at nucleotide position 4118. The threonine at codon 1373 is replaced by isoleucine, an amino acid with similar properties. This amino acid position is conserved. In addition, this alteration is predicted to be tolerated by in silico analysis. Based on the available evidence, the clinical significance of this variant remains unclear.

NM_001184.4(ATR):c.4118C>T (p.Thr1373Ile)

Gene: ATR (ATR serine/threonine kinase; minus strand). Cytogenetic location: 3q23.
Variant type: single nucleotide variant.
Coding change: c.4118C>T on transcript NM_001184.4 (MANE Select); coding-DNA position 4118, C replaced by T.
Protein change: p.Thr1373Ile; replaces threonine 1373 with isoleucine.
Molecular consequence: missense variant.
Genome position (GRCh38, 1-based): chr3:142,524,027, G>A on the plus strand (C>T on the coding strand, the complement: ATR is on the minus strand). VCF-style: chr3-142524027-G-A. GRCh37 (hg19) VCF-style: chr3-142242869-G-A.
Other names: c.3926C>T, p.Thr1309Ile (NM_001354579.2); short protein forms T1309I, T1373I.
Identifiers: ClinVar variation 3462425 (VCV003462425.1).
Genomic context (GRCh38, chr3:142,524,027, plus strand): 5'-TGTCATTCCAAATTTCCACTACTTACCACAAATGTAAAATCTTTTCCTTGAGTTTCAGTT[G>A]TTGAGAAATCTAATCGACCTGGATCTATCGCCCCCAATTCCCCTAAACATTCCCCACAGA-3'
Protein context (NP_001175.2, residues 1363-1383): AIDPGRLDFS[Thr1373Ile]TETQGKDFTF